The following is an entry in ClinVar:

NM_001085458.2(CTNND1):c.155A>G (p.Asn52Ser)

Genes: CTNND1 (catenin delta 1; plus strand), TMX2-CTNND1 (TMX2-CTNND1 readthrough (NMD candidate); plus strand). Cytogenetic location: 11q12.1.
Variant type: single nucleotide variant.
Coding change: c.155A>G on transcript NM_001085458.2 (MANE Select); coding-DNA position 155, A replaced by G.
Protein change: p.Asn52Ser; replaces asparagine 52 with serine.
Molecular consequence: missense variant. On other transcripts: non-coding transcript variant (1), 5 prime UTR variant (7), intron variant (8).
Genome position (GRCh38, 1-based): chr11:57,791,633, A>G. VCF-style: chr11-57791633-A-G. GRCh37 (hg19) VCF-style: chr11-57559105-A-G.
Other names: c.155A>G, p.Asn52Ser (NM_001085459.2, NM_001085460.2, NM_001085461.2 and 3 more transcripts); c.-8A>G (NM_001206883.2, NM_001206884.2, NM_001206886.2 and 4 more transcripts); c.-108-2377A>G (NM_001085467.2, NM_001206890.2, NM_001085463.2 and 4 more transcripts); c.-36-3944A>G (NM_001085469.2); short protein forms N52S.
Identifiers: ClinVar variation 717097 (VCV000717097.29), dbSNP rs145191455, ClinGen allele CA6010148.

ClinVar aggregate classification (germline): Likely benign. Review status: criteria provided, multiple submitters, no conflicts (2 of 4 stars). 3 submissions from 3 submitters: Likely benign (3). Last evaluated 2026-05-01.

Allele frequency attached by ClinVar (database versions not stated): 1000 Genomes Project 0.00100; 1000 Genomes Project 30x 0.00109; ESP Exome Variant Server 0.00260; gnomAD exomes 0.00301; TOPMed 0.00306; gnomAD 0.00312 and 0.00317; ExAC 0.00344.
gnomAD v4.1: 7,348 of 1,597,556 alleles (0.46%); highest among the groups gnomAD compares: Non-Finnish European, 0.58%; 27 homozygotes.

Submissions (3):

CeGaT Center for Human Genetics Tuebingen
Classification: Likely benign. Last evaluated: 2026-05-01. Review status: criteria provided, single submitter. Criteria: CeGaT Center For Human Genetics Tuebingen Variant Classification Criteria Version 2. Collection method: clinical testing. Allele origin: germline. Affected: yes. Observed: 7 variant alleles.
Comment: CTNND1: BP4, BS2

Blueprint Genetics
Classification: Likely benign. Last evaluated: 2024-11-19. Review status: criteria provided, single submitter. Criteria: ACMG Guidelines, 2015. Collection method: clinical testing. Allele origin: germline.

Labcorp Genetics (formerly Invitae), Labcorp
Classification: Likely benign. Last evaluated: 2019-12-31. Review status: criteria provided, single submitter. Criteria: Invitae Variant Classification Sherloc (09022015). Collection method: clinical testing. Allele origin: germline.